The following is an entry in ClinVar:

ClinVar aggregate classification (germline): Uncertain significance. Review status: criteria provided, multiple submitters, no conflicts (2 of 4 stars). 2 submissions from 2 submitters: Uncertain significance (2). Last evaluated 2025-07-23.

Allele frequency attached by ClinVar (database versions not stated): TOPMed 0.00001; gnomAD 0.00003.
gnomAD v4.1: 18 of 1,613,158 alleles (0.0011%); highest among the groups gnomAD compares: Admixed American, 0.005%; no homozygotes.

Submissions (2):

Labcorp Genetics (formerly Invitae), Labcorp
Classification: Uncertain significance. Last evaluated: 2025-07-23. Review status: criteria provided, single submitter. Criteria: Invitae Variant Classification Sherloc (09022015). Collection method: clinical testing. Allele origin: germline.
Comment: This sequence change replaces valine, which is neutral and non-polar, with isoleucine, which is neutral and non-polar, at codon 4334 of the HMCN1 protein (p.Val4334Ile). The frequency data for this variant in the population databases is considered unreliable, as metrics indicate poor data quality at this position in the gnomAD database. This variant has not been reported in the literature in individuals affected with HMCN1-related conditions. ClinVar contains an entry for this variant (Variation ID: 2057213). An algorithm developed to predict the effect of missense changes on protein structure and function outputs the following: PolyPhen-2: "Benign". The isoleucine amino acid residue is found in multiple mammalian species, which suggests that this missense change does not adversely affect protein function. In summary, the available evidence is currently insufficient to determine the role of this variant in disease. Therefore, it has been classified as a Variant of Uncertain Significance.

Ambry Genetics
Classification: Uncertain significance. Last evaluated: 2025-04-10. Review status: criteria provided, single submitter. Criteria: Ambry Variant Classification Scheme 2023. Collection method: clinical testing. Allele origin: germline.

NM_031935.3(HMCN1):c.13000G>A (p.Val4334Ile)

Gene: HMCN1 (hemicentin 1; plus strand). Cytogenetic location: 1q31.1.
Variant type: single nucleotide variant.
Coding change: c.13000G>A on transcript NM_031935.3 (MANE Select); coding-DNA position 13000, G replaced by A.
Protein change: p.Val4334Ile; replaces valine 4334 with isoleucine.
Molecular consequence: missense variant.
Genome position (GRCh38, 1-based): chr1:186,130,061, G>A. VCF-style: chr1-186130061-G-A. GRCh37 (hg19) VCF-style: chr1-186099193-G-A.
Other names: c.13000G>A (NM_031935.2); short protein forms V4334I.
Identifiers: ClinVar variation 2057213 (VCV002057213.5), dbSNP rs1327271424, ClinGen allele CA343907215.